The following is an entry in ClinVar:

NM_016239.4(MYO15A):c.6783G>A (p.Trp2261Ter)

Gene: MYO15A (myosin XVA; plus strand). Cytogenetic location: 17p11.2.
Variant type: single nucleotide variant.
Coding change: c.6783G>A on transcript NM_016239.4 (MANE Select); coding-DNA position 6783, G replaced by A.
Protein change: p.Trp2261Ter; replaces tryptophan 2261 with a stop codon.
Molecular consequence: nonsense.
Genome position (GRCh38, 1-based): chr17:18,148,779, G>A. VCF-style: chr17-18148779-G-A. GRCh37 (hg19) VCF-style: chr17-18052093-G-A.
Other names: short protein forms W2261*.
Identifiers: ClinVar variation 3898050 (VCV003898050.1).

ClinVar aggregate classification (germline): Likely pathogenic (1 of 4 stars; one submission).

Conditions:
Autosomal recessive nonsyndromic hearing loss 3. Also called: NEUROSENSORY NONSYNDROMIC RECESSIVE DEAFNESS 3. Identifiers: Orphanet 90636, MedGen C1838263, MONDO:0010860, OMIM 600316.

Submission:

Neuberg Centre For Genomic Medicine, NCGM
Classification: Likely pathogenic for Autosomal recessive nonsyndromic hearing loss 3. Last evaluated: 2024-02-01. Review status: criteria provided, single submitter. Criteria: ACMG Guidelines, 2015. Collection method: clinical testing. Allele origin: germline. Inheritance: Autosomal recessive inheritance.
Comment: The observed variant has not been reported previously as a pathogenic variant nor as a benign variant, to our knowledge. This variant is predicted to cause loss of normal protein function through protein truncation. Loss of function variants have been previously reported to be disease causing